The following is an entry in ClinVar:

NM_005121.3(MED13):c.465T>A (p.Asn155Lys)

Gene: MED13 (mediator complex subunit 13; minus strand). Cytogenetic location: 17q23.2.
Variant type: single nucleotide variant.
Coding change: c.465T>A on transcript NM_005121.3 (MANE Select); coding-DNA position 465, T replaced by A.
Protein change: p.Asn155Lys; replaces asparagine 155 with lysine.
Molecular consequence: missense variant.
Genome position (GRCh38, 1-based): chr17:62,052,542, A>T on the plus strand (T>A on the coding strand, the complement: MED13 is on the minus strand). VCF-style: chr17-62052542-A-T. GRCh37 (hg19) VCF-style: chr17-60129903-A-T.
Other names: short protein forms N155K.
Identifiers: ClinVar variation 2484332 (VCV002484332.3), dbSNP rs1334970188, ClinGen allele CA400786803.

ClinVar aggregate classification (germline): Uncertain significance (1 of 4 stars; one submission).

Conditions:
Inborn genetic diseases. Identifiers: MedGen C0950123, MeSH D030342.

Submission:

Ambry Genetics
Classification: Uncertain significance for Inborn genetic diseases. Last evaluated: 2023-03-17. Review status: criteria provided, single submitter. Criteria: Ambry Variant Classification Scheme 2023. Collection method: clinical testing. Allele origin: germline.
Comment: The c.465T>A (p.N155K) alteration is located in exon 3 (coding exon 3) of the MED13 gene. This alteration results from a T to A substitution at nucleotide position 465, causing the asparagine (N) at amino acid position 155 to be replaced by a lysine (K). This variant was not reported in population-based cohorts in the Genome Aggregation Database (gnomAD). This amino acid position is highly conserved in available vertebrate species. This alteration is predicted to be tolerated by in silico analysis. Based on insufficient or conflicting evidence, the clinical significance of this alteration remains unclear.